The following is an entry in ClinVar:

NM_004525.3(LRP2):c.233G>A (p.Gly78Glu)

Gene: LRP2 (LDL receptor related protein 2; minus strand). Cytogenetic location: 2q31.1.
Variant type: single nucleotide variant.
Coding change: c.233G>A on transcript NM_004525.3 (MANE Select); coding-DNA position 233, G replaced by A.
Protein change: p.Gly78Glu; replaces glycine 78 with glutamic acid.
Molecular consequence: missense variant.
Genome position (GRCh38, 1-based): chr2:169,318,839, C>T on the plus strand (G>A on the coding strand, the complement: LRP2 is on the minus strand). VCF-style: chr2-169318839-C-T. GRCh37 (hg19) VCF-style: chr2-170175349-C-T.
Other names: short protein forms G78E.
Identifiers: ClinVar variation 2065463 (VCV002065463.4), dbSNP rs546882372, ClinGen allele CA349173804.

ClinVar aggregate classification (germline): Uncertain significance (1 of 4 stars; one submission).

Allele frequency attached by ClinVar (database versions not stated): TOPMed below 0.00001.
gnomAD v4.1: 3 of 1,614,018 alleles (0.00019%); highest among the groups gnomAD compares: East Asian, 0.0045%; no homozygotes.

Submission:

Labcorp Genetics (formerly Invitae), Labcorp
Classification: Uncertain significance. Last evaluated: 2021-12-29. Review status: criteria provided, single submitter. Criteria: Invitae Variant Classification Sherloc (09022015). Collection method: clinical testing. Allele origin: germline.
Comment: Advanced modeling of protein sequence and biophysical properties (such as structural, functional, and spatial information, amino acid conservation, physicochemical variation, residue mobility, and thermodynamic stability) performed at Invitae indicates that this missense variant is not expected to disrupt LRP2 protein function. In summary, the available evidence is currently insufficient to determine the role of this variant in disease. Therefore, it has been classified as a Variant of Uncertain Significance. This variant has not been reported in the literature in individuals affected with LRP2-related conditions. This variant is present in population databases (no rsID available, gnomAD 0.1%). This sequence change replaces glycine, which is neutral and non-polar, with glutamic acid, which is acidic and polar, at codon 78 of the LRP2 protein (p.Gly78Glu).